The following is an entry in ClinVar:

ClinVar aggregate classification (germline): Conflicting classifications of pathogenicity. Review status: criteria provided, conflicting classifications (1 of 4 stars). 4 submissions from 4 submitters: Uncertain significance (2); Likely benign (1). 1 of the submissions does not count toward it. Last evaluated 2025-12-08.

Conditions:
ERCC6-related disorder. Also called: ERCC6-related condition; ERCC6-related disorders. Identifiers: MedGen CN239385.

Allele frequency attached by ClinVar (database versions not stated): gnomAD exomes 0.00007 and 0.00020; ExAC 0.00024; gnomAD 0.00041 and 0.00044; TOPMed 0.00054; ESP Exome Variant Server 0.00077; 1000 Genomes Project 30x 0.00156; 1000 Genomes Project 0.00160.
gnomAD v4.1: 171 of 1,614,002 alleles (0.011%); highest among the groups gnomAD compares: African/African-American, 0.19%; no homozygotes.

Submissions (4):

Labcorp Genetics (formerly Invitae), Labcorp
Classification: Likely benign. Last evaluated: 2025-12-08. Review status: criteria provided, single submitter. Criteria: Invitae Variant Classification Sherloc (09022015). Collection method: clinical testing. Allele origin: germline.

GeneDx
Classification: Uncertain significance. Last evaluated: 2022-06-14. Review status: criteria provided, single submitter. Criteria: GeneDx Variant Classification Process June 2021. Collection method: clinical testing. Allele origin: germline. Affected: yes.
Comment: In silico analysis supports that this missense variant does not alter protein structure/function; Has not been previously published as pathogenic or benign to our knowledge

Revvity Omics, Revvity
Classification: Uncertain significance. Last evaluated: 2021-01-20. Review status: criteria provided, single submitter. Criteria: ACMG Guidelines, 2015. Collection method: clinical testing. Allele origin: germline.

PreventionGenetics, part of Exact Sciences
Classification: Likely benign for ERCC6-related condition. Last evaluated: 2023-10-29. Review status: no assertion criteria provided. Collection method: clinical testing. Allele origin: germline. Not counted in ClinVar's aggregate classification.
Comment: This variant is classified as likely benign based on ACMG/AMP sequence variant interpretation guidelines (Richards et al. 2015 PMID: 25741868, with internal and published modifications).

NM_000124.4(ERCC6):c.1145A>G (p.Glu382Gly)

Gene: ERCC6 (ERCC excision repair 6, chromatin remodeling factor; minus strand). Cytogenetic location: 10q11.23.
Variant type: single nucleotide variant.
Coding change: c.1145A>G on transcript NM_000124.4 (MANE Select); coding-DNA position 1145, A replaced by G.
Protein change: p.Glu382Gly; replaces glutamic acid 382 with glycine.
Molecular consequence: missense variant.
Genome position (GRCh38, 1-based): chr10:49,524,285, T>C on the plus strand (A>G on the coding strand, the complement: ERCC6 is on the minus strand). VCF-style: chr10-49524285-T-C. GRCh37 (hg19) VCF-style: chr10-50732331-T-C.
Other names: c.1145A>G, p.Glu382Gly (NM_001277058.2, NM_001277059.2, NM_001346440.2); short protein forms E382G.
Identifiers: ClinVar variation 706765 (VCV000706765.16), dbSNP rs56089364, ClinGen allele CA5496384.